The following is an entry in ClinVar:

NM_007046.4(EMILIN1):c.1505G>A (p.Arg502His)

Gene: EMILIN1 (elastin microfibril interfacer 1; plus strand). Cytogenetic location: 2p23.3.
Variant type: single nucleotide variant.
Coding change: c.1505G>A on transcript NM_007046.4 (MANE Select); coding-DNA position 1505, G replaced by A.
Protein change: p.Arg502His; replaces arginine 502 with histidine.
Molecular consequence: missense variant.
Genome position (GRCh38, 1-based): chr2:27,083,076, G>A. VCF-style: chr2-27083076-G-A. GRCh37 (hg19) VCF-style: chr2-27305944-G-A.
Other names: short protein forms R502H.
Identifiers: ClinVar variation 3388990 (VCV003388990.14).
Genomic context (GRCh38, chr2:27,083,076, plus strand): 5'-GCTCTGGGGCCCCTGGGGAGCAGGACTCTCAAGTCAGCGAGATCCTCAGTGCCTTGGAGC[G>A]CAGGGTGCTGGACAGTGAGGGGCAGCTGCGGCTGGTGGGCTCCGGCCTGCACACGGTGGA-3'
Protein context (NP_008977.1, residues 492-512): QVSEILSALE[Arg502His]RVLDSEGQLR

ClinVar aggregate classification (germline): Likely benign (1 of 4 stars; one submission).

Submission:

CeGaT Center for Human Genetics Tuebingen
Classification: Likely benign. Last evaluated: 2024-09-01. Review status: criteria provided, single submitter. Criteria: CeGaT Center For Human Genetics Tuebingen Variant Classification Criteria Version 2. Collection method: clinical testing. Allele origin: germline. Affected: yes. Observed: 1 variant allele.
Comment: EMILIN1: BP4